The following is an entry in ClinVar:

ClinVar aggregate classification (germline): Uncertain significance. Review status: criteria provided, multiple submitters, no conflicts (2 of 4 stars). 3 submissions from 3 submitters: Uncertain significance (2). 1 of the submissions does not count toward it. Last evaluated 2024-05-01.

Conditions:
KCTD1-related disorder. Also called: KCTD1-related condition.
Scalp-ear-nipple syndrome (SENS). Also called: SEN SYNDROME; FINLAY-MARKS SYNDROME; Hereditary syndrome of lumpy scalp, odd ears and rudimentary nipples. Identifiers: Orphanet 2036, MedGen C1867020, MONDO:0008404, OMIM 181270.

Allele frequency attached by ClinVar (database versions not stated): ExAC 0.00002; gnomAD 0.00002; gnomAD exomes 0.00002; TOPMed 0.00002.
gnomAD v4.1: 28 of 1,602,992 alleles (0.0017%); highest among the groups gnomAD compares: Non-Finnish European, 0.0023%; no homozygotes.

Submissions (3):

Fulgent Genetics
Classification: Uncertain significance for Scalp-ear-nipple syndrome. Last evaluated: 2024-05-01. Review status: criteria provided, single submitter. Criteria: ACMG Guidelines, 2015. Collection method: clinical testing. Allele origin: germline.

Labcorp Genetics (formerly Invitae), Labcorp
Classification: Uncertain significance. Last evaluated: 2022-06-26. Review status: criteria provided, single submitter. Criteria: Invitae Variant Classification Sherloc (09022015). Collection method: clinical testing. Allele origin: germline.
Comment: In summary, the available evidence is currently insufficient to determine the role of this variant in disease. Therefore, it has been classified as a Variant of Uncertain Significance. Variants that disrupt the consensus splice site are a relatively common cause of aberrant splicing (PMID: 17576681, 9536098). Algorithms developed to predict the effect of sequence changes on RNA splicing suggest that this variant is not likely to affect RNA splicing. This variant has not been reported in the literature in individuals affected with KCTD1-related conditions. This variant is present in population databases (rs752591756, gnomAD 0.01%), including at least one homozygous and/or hemizygous individual. This sequence change falls in intron 3 of the KCTD1 gene. It does not directly change the encoded amino acid sequence of the KCTD1 protein. It affects a nucleotide within the consensus splice site.

PreventionGenetics, part of Exact Sciences
Classification: Likely benign for KCTD1-related condition. Last evaluated: 2020-02-11. Review status: no assertion criteria provided. Collection method: clinical testing. Allele origin: germline. Not counted in ClinVar's aggregate classification.
Comment: This variant is classified as likely benign based on ACMG/AMP sequence variant interpretation guidelines (Richards et al. 2015 PMID: 25741868, with internal and published modifications).

Literature cited by the submitters: PubMed 17576681 (cited by Labcorp Genetics (formerly Invitae), Labcorp); PubMed 9536098 (cited by Labcorp Genetics (formerly Invitae), Labcorp).

NM_001142730.3(KCTD1):c.2133+4A>G

Gene: KCTD1 (potassium channel tetramerization domain containing 1; minus strand). Cytogenetic location: 18q11.2.
Variant type: single nucleotide variant.
Coding change: c.2133+4A>G on transcript NM_001142730.3 (MANE Select); 4 bases into the intron after coding-DNA position 2133, A replaced by G.
Molecular consequence: intron variant.
Genome position (GRCh38, 1-based): chr18:26,476,511, T>C on the plus strand (A>G on the coding strand, the complement: KCTD1 is on the minus strand). VCF-style: chr18-26476511-T-C. GRCh37 (hg19) VCF-style: chr18-24056475-T-C.
Other names: c.309+4A>G (NM_001258221.1, NM_198991.4, NM_001258221.2 and 2 more transcripts); c.333+4A>G (NM_001258222.3).
Identifiers: ClinVar variation 2175670 (VCV002175670.7), dbSNP rs752591756, ClinGen allele CA8922323.